The following is an entry in ClinVar:

ClinVar aggregate classification (germline): Uncertain significance (1 of 4 stars; one submission).

gnomAD v4.1: 2 of 1,614,112 alleles (0.00012%); highest among the groups gnomAD compares: African/African-American, 0.0013%; no homozygotes.

Submission:

Women's Health and Genetics/Laboratory Corporation of America, LabCorp
Classification: Uncertain significance. Last evaluated: 2024-08-14. Review status: criteria provided, single submitter. Criteria: LabCorp Variant Classification Summary - May 2015. Collection method: clinical testing. Allele origin: germline.
Comment: Variant summary: COL7A1 c.7504G>A (p.Gly2502Arg) results in a non-conservative amino acid change in the encoded protein sequence. Five of five in-silico tools predict a damaging effect of the variant on protein function. The variant was absent in 251216 control chromosomes. The available data on variant occurrences in the general population are insufficient to allow any conclusion about variant significance. To our knowledge, no occurrence of c.7504G>A in individuals affected with Dystrophic Epidermolysis Bullosa, Recessive and no experimental evidence demonstrating its impact on protein function have been reported. No submitters have cited clinical-significance assessments for this variant to ClinVar. Based on the evidence outlined above, the variant was classified as uncertain significance.

NM_000094.4(COL7A1):c.7504G>A (p.Gly2502Arg)

Gene: COL7A1 (collagen type VII alpha 1 chain; minus strand). Cytogenetic location: 3p21.31.
Variant type: single nucleotide variant.
Coding change: c.7504G>A on transcript NM_000094.4 (MANE Select); coding-DNA position 7504, G replaced by A.
Protein change: p.Gly2502Arg; replaces glycine 2502 with arginine.
Molecular consequence: missense variant.
Genome position (GRCh38, 1-based): chr3:48,569,897, C>T on the plus strand (G>A on the coding strand, the complement: COL7A1 is on the minus strand). VCF-style: chr3-48569897-C-T. GRCh37 (hg19) VCF-style: chr3-48607330-C-T.
Other names: short protein forms G2502R.
Identifiers: ClinVar variation 3366788 (VCV003366788.1).